The following is an entry in ClinVar:

NM_001323289.2(CDKL5):c.248G>T (p.Gly83Val)

Gene: CDKL5 (cyclin dependent kinase like 5; plus strand). Cytogenetic location: Xp22.13.
Variant type: single nucleotide variant.
Coding change: c.248G>T on transcript NM_001323289.2 (MANE Select); coding-DNA position 248, G replaced by T.
Protein change: p.Gly83Val; replaces glycine 83 with valine.
Molecular consequence: missense variant.
Genome position (GRCh38, 1-based): chrX:18,575,456, G>T. VCF-style: chrX-18575456-G-T. GRCh37 (hg19) VCF-style: chrX-18593576-G-T.
Other names: NM_001323289.2(CDKL5):c.248G>T; p.Gly83Val; c.248G>T, p.Gly83Val (NM_001037343.2, NM_003159.3); short protein forms G83V.
Identifiers: ClinVar variation 158182 (VCV000158182.9), dbSNP rs587783402, ClinGen allele CA171627.
Genomic context (GRCh38, chrX:18,575,456, plus strand): 5'-TGCTTCGGACTCTCAAGCAGGAAAACATTGTGGAGTTGAAGGAAGCATTTCGTCGGAGGG[G>T]AAAGTTGTACTTGGTGTTTGAGTATGTTGAAAAAGTAAGTCATTAATTGCCAATGTGCAC-3'
Protein context (NP_001310218.1, residues 73-93): VELKEAFRRR[Gly83Val]KLYLVFEYVE

ClinVar aggregate classification (germline): Uncertain significance. Review status: criteria provided, multiple submitters, no conflicts (2 of 4 stars). 3 submissions from 3 submitters: Uncertain significance (3). Last evaluated 2024-07-16.

Conditions:
CDKL5 disorder. Identifiers: MedGen CN296942, MONDO:0100039.
Developmental and epileptic encephalopathy, 2 (DEE2). Also called: INFANTILE SPASM SYNDROME, X-LINKED 2; CDKL5 deficiency disorder. Identifiers: Orphanet 1934, Orphanet 3451, Orphanet 505652, MedGen C4750718, MONDO:0010396, OMIM 300672.

Submissions (3):

Centre for Population Genomics, CPG
Classification: Uncertain significance for CDKL5 disorder. Last evaluated: 2024-07-16. Review status: criteria provided, single submitter. Criteria: McKnight et al. (Hum Mutat. 2022). Collection method: curation. Allele origin: germline. Inheritance: X-linked inheritance.
Comment: This variant has been collected from RettBASE and curated to current modified ACMG/AMP criteria. Based on the classification scheme defined by the ClinGen Rett/Angelman-like Expert Panel for Rett/AS-like Disorders Specifications to the ACMG/AMP Variant Interpretation Guidelines VCEP 3.0, this variant is classified as variant of uncertain significance. At least the following criteria are met: This variant is absent from gnomAD (PM2_Supporting). Has been observed in 1 individual with phenotypes consistent with CDKL5 disorder (PMID: 22872100).

GeneDx
Classification: Uncertain significance. Last evaluated: 2019-08-01. Review status: criteria provided, single submitter. Criteria: GeneDx Variant Classification Process June 2021. Collection method: clinical testing. Allele origin: germline. Affected: yes.
Comment: Identified in a patient with a CDKL5-related disorder in the published literature; however, additional clinical information and information about parental testing was not provided (Fehr et al., 2013); In silico analysis, which includes protein predictors and evolutionary conservation, supports a deleterious effect; In addition, in silico splice predictors suggest this variant may lead to abnormal gene splicing. In the absence of RNA/functional studies, the actual effect of this sequence change is unknown.; Not observed in large population cohorts (Lek et al., 2016); This variant is associated with the following publications: (PMID: 22872100)

Genetic Services Laboratory, University of Chicago
Classification: Uncertain significance for Epileptic encephalopathy, early infantile, 2. Last evaluated: 2013-02-08. Review status: criteria provided, single submitter. Criteria: ACMG Guidelines, 2007. Collection method: clinical testing. Allele origin: germline. Inheritance: X-linked inheritance.